The following is an entry in ClinVar:

NM_004064.5(CDKN1B):c.253C>T (p.Pro85Ser)

Gene: CDKN1B (cyclin dependent kinase inhibitor 1B; plus strand). Cytogenetic location: 12p13.1.
Variant type: single nucleotide variant.
Coding change: c.253C>T on transcript NM_004064.5 (MANE Select); coding-DNA position 253, C replaced by T.
Protein change: p.Pro85Ser; replaces proline 85 with serine.
Molecular consequence: missense variant.
Genome position (GRCh38, 1-based): chr12:12,718,092, C>T. VCF-style: chr12-12718092-C-T. GRCh37 (hg19) VCF-style: chr12-12871026-C-T.
Other names: short protein forms P85S.
Identifiers: ClinVar variation 821449 (VCV000821449.16), dbSNP rs752181999, ClinGen allele CA6457426.

ClinVar aggregate classification (germline): Uncertain significance. Review status: criteria provided, multiple submitters, no conflicts (2 of 4 stars). 3 submissions from 3 submitters: Uncertain significance (3). Last evaluated 2025-07-29.

Conditions:
Multiple endocrine neoplasia type 4. Also called: MULTIPLE ENDOCRINE NEOPLASIA, TYPE IV. Identifiers: Orphanet 276152, MedGen C1970712, MONDO:0012552, OMIM 610755.
Hereditary cancer-predisposing syndrome. Also called: Hereditary Cancer Syndrome; Neoplastic Syndromes, Hereditary; Hereditary neoplastic syndrome; Tumor predisposition. Identifiers: Orphanet 140162, MedGen C0027672, MeSH D009386, MONDO:0015356.

Allele frequency attached by ClinVar (database versions not stated): gnomAD 0.00001; gnomAD exomes 0.00002; TOPMed 0.00001; ExAC 0.00002.
gnomAD v4.1: 27 of 1,614,110 alleles (0.0017%); highest among the groups gnomAD compares: Non-Finnish European, 0.0018%; no homozygotes.

Submissions (3):

Labcorp Genetics (formerly Invitae), Labcorp
Classification: Uncertain significance for Multiple endocrine neoplasia type 4. Last evaluated: 2025-07-29. Review status: criteria provided, single submitter. Criteria: Invitae Variant Classification Sherloc (09022015). Collection method: clinical testing. Allele origin: germline.
Comment: This sequence change replaces proline, which is neutral and non-polar, with serine, which is neutral and polar, at codon 85 of the CDKN1B protein (p.Pro85Ser). This variant is present in population databases (rs752181999, gnomAD 0.02%). This variant has not been reported in the literature in individuals affected with CDKN1B-related conditions. ClinVar contains an entry for this variant (Variation ID: 821449). An algorithm developed to predict the effect of missense changes on protein structure and function (PolyPhen-2) suggests that this variant is likely to be disruptive. In summary, the available evidence is currently insufficient to determine the role of this variant in disease. Therefore, it has been classified as a Variant of Uncertain Significance.

Ambry Genetics
Classification: Uncertain significance for Hereditary cancer-predisposing syndrome. Last evaluated: 2024-10-27. Review status: criteria provided, single submitter. Criteria: Ambry Variant Classification Scheme 2023. Collection method: clinical testing. Allele origin: germline.
Comment: The p.P85S variant (also known as c.253C>T), located in coding exon 1 of the CDKN1B gene, results from a C to T substitution at nucleotide position 253. The proline at codon 85 is replaced by serine, an amino acid with similar properties. This amino acid position is highly conserved in available vertebrate species. In addition, this alteration is predicted to be deleterious by in silico analysis. Based on the available evidence, the clinical significance of this variant remains unclear.

Baylor Genetics
Classification: Uncertain significance for Multiple endocrine neoplasia type 4. Last evaluated: 2024-03-19. Review status: criteria provided, single submitter. Criteria: ACMG Guidelines, 2015. Collection method: clinical testing. Allele origin: unknown.